The following is an entry in ClinVar:

ClinVar aggregate classification (germline): Uncertain significance (1 of 4 stars; one submission).

Submission:

Labcorp Genetics (formerly Invitae), Labcorp
Classification: Uncertain significance. Last evaluated: 2025-01-05. Review status: criteria provided, single submitter. Criteria: Invitae Variant Classification Sherloc (09022015). Collection method: clinical testing. Allele origin: germline.
Comment: This sequence change replaces proline, which is neutral and non-polar, with serine, which is neutral and polar, at codon 374 of the ACVR1 protein (p.Pro374Ser). This variant is not present in population databases (gnomAD no frequency). This variant has not been reported in the literature in individuals affected with ACVR1-related conditions. An algorithm developed to predict the effect of missense changes on protein structure and function (PolyPhen-2) suggests that this variant is likely to be disruptive. In summary, the available evidence is currently insufficient to determine the role of this variant in disease. Therefore, it has been classified as a Variant of Uncertain Significance.

NM_001111067.4(ACVR1):c.1120C>T (p.Pro374Ser)

Gene: ACVR1 (activin A receptor type 1; minus strand). Cytogenetic location: 2q24.1.
Variant type: single nucleotide variant.
Coding change: c.1120C>T on transcript NM_001111067.4 (MANE Select); coding-DNA position 1120, C replaced by T.
Protein change: p.Pro374Ser; replaces proline 374 with serine.
Molecular consequence: missense variant.
Genome position (GRCh38, 1-based): chr2:157,761,024, G>A on the plus strand (C>T on the coding strand, the complement: ACVR1 is on the minus strand). VCF-style: chr2-157761024-G-A. GRCh37 (hg19) VCF-style: chr2-158617536-G-A.
Other names: c.1120C>T, p.Pro374Ser (NM_001105.5, NM_001347663.1, NM_001347664.1 and 3 more transcripts); short protein forms P374S.
Identifiers: ClinVar variation 3728498 (VCV003728498.2).
Genomic context (GRCh38, chr2:157,761,024, plus strand): 5'-CCACCTGGATGGTTTCATCTAGAACTTCGGGGGCCATGTAGCGCTTGGTGCCCACACGGG[G>A]ATTGTTCCCCACATCAAGCTGATTGGTGCTCTGGGAATGCATGACTGCCAGGCCTGAAAG-3'
Protein context (NP_001104537.1, residues 364-384): STNQLDVGNN[Pro374Ser]RVGTKRYMAP